The following is an entry in ClinVar:

NM_032608.7(MYO18B):c.1607C>G (p.Thr536Arg)

Gene: MYO18B (myosin XVIIIB; plus strand). Cytogenetic location: 22q12.1.
Variant type: single nucleotide variant.
Coding change: c.1607C>G on transcript NM_032608.7 (MANE Select); coding-DNA position 1607, C replaced by G.
Protein change: p.Thr536Arg; replaces threonine 536 with arginine.
Molecular consequence: missense variant.
Genome position (GRCh38, 1-based): chr22:25,770,899, C>G. VCF-style: chr22-25770899-C-G. GRCh37 (hg19) VCF-style: chr22-26166866-C-G.
Other names: c.1607C>G, p.Thr536Arg (NM_001318245.2); c.1607C>G (NM_032608.5); short protein forms T536R.
Identifiers: ClinVar variation 1491013 (VCV001491013.6), dbSNP rs1222902997, ClinGen allele CA411005600.

ClinVar aggregate classification (germline): Uncertain significance. Review status: criteria provided, multiple submitters, no conflicts (2 of 4 stars). 2 submissions from 2 submitters: Uncertain significance (2). Last evaluated 2025-12-11.

Conditions:
Inborn genetic diseases. Identifiers: MedGen C0950123, MeSH D030342.

Allele frequency attached by ClinVar (database versions not stated): gnomAD exomes below 0.00001; TOPMed below 0.00001.
gnomAD v4.1: 3 of 1,552,040 alleles (0.00019%); highest among the groups gnomAD compares: Non-Finnish European, 0.00026%; no homozygotes.

Submissions (2):

Ambry Genetics
Classification: Uncertain significance for Inborn genetic diseases. Last evaluated: 2025-12-11. Review status: criteria provided, single submitter. Criteria: Ambry Variant Classification Scheme 2023. Collection method: clinical testing. Allele origin: germline.

Labcorp Genetics (formerly Invitae), Labcorp
Classification: Uncertain significance. Last evaluated: 2021-10-08. Review status: criteria provided, single submitter. Criteria: Invitae Variant Classification Sherloc (09022015). Collection method: clinical testing. Allele origin: germline.
Comment: This variant has not been reported in the literature in individuals affected with MYO18B-related conditions. This sequence change replaces threonine with arginine at codon 536 of the MYO18B protein (p.Thr536Arg). The threonine residue is moderately conserved and there is a moderate physicochemical difference between threonine and arginine. This variant is not present in population databases (ExAC no frequency). Algorithms developed to predict the effect of missense changes on protein structure and function are either unavailable or do not agree on the potential impact of this missense change (SIFT: "Not Available"; PolyPhen-2: "Probably Damaging"; Align-GVGD: "Not Available"). In summary, the available evidence is currently insufficient to determine the role of this variant in disease. Therefore, it has been classified as a Variant of Uncertain Significance.